The following is an entry in ClinVar:

NM_213599.3(ANO5):c.1147A>G (p.Thr383Ala)

Gene: ANO5 (anoctamin 5; plus strand). Cytogenetic location: 11p14.3.
Variant type: single nucleotide variant.
Coding change: c.1147A>G on transcript NM_213599.3 (MANE Select); coding-DNA position 1147, A replaced by G.
Protein change: p.Thr383Ala; replaces threonine 383 with alanine.
Molecular consequence: missense variant.
Genome position (GRCh38, 1-based): chr11:22,250,978, A>G. VCF-style: chr11-22250978-A-G. GRCh37 (hg19) VCF-style: chr11-22272524-A-G.
Other names: c.1144A>G, p.Thr382Ala (NM_001142649.2); c.1105A>G, p.Thr369Ala (NM_001410963.1, NM_001441300.1); c.1102A>G, p.Thr368Ala (NM_001410964.1, NM_001441301.1); c.1069A>G, p.Thr357Ala (NM_001441294.1); c.1066A>G, p.Thr356Ala (NM_001441295.1); c.1054A>G, p.Thr352Ala (NM_001441296.1, NM_001441302.1); c.1027A>G, p.Thr343Ala (NM_001441297.1); c.991A>G, p.Thr331Ala (NM_001441298.1); and 1 more; short protein forms T330A, T343A, T356A, T383A, T357A, T368A, T369A, T382A.
Identifiers: ClinVar variation 4791583 (VCV004791583.1).
Genomic context (GRCh38, chr11:22,250,978, plus strand): 5'-ATCTTTGTGATATTGTTATTGTTATTTTTACAGTTCTCCCATTTGTTTGATAATGAGTCA[A>G]CAGTGTTCTTTGCAATATTCATGGGAATTTGGGGTGAGTAAATAGTCCCATAAAGAAACA-3'
Protein context (NP_998764.1, residues 373-393): KFSHLFDNES[Thr383Ala]VFFAIFMGIW

ClinVar aggregate classification (germline): Uncertain significance (1 of 4 stars; one submission).

Conditions:
Gnathodiaphyseal dysplasia (GDD). Also called: GNATHODIAPHYSEAL SCLEROSIS; OSTEOGENESIS IMPERFECTA WITH UNUSUAL SKELETAL LESIONS. Identifiers: Orphanet 53697, MedGen C1833736, MONDO:0008151, OMIM 166260.
Autosomal recessive limb-girdle muscular dystrophy type 2L (LGMDR12). Also called: Limb-girdle muscular dystrophy, type 2L; MUSCULAR DYSTROPHY, LIMB-GIRDLE, AUTOSOMAL RECESSIVE 12; Limb-Girdle Muscular Dystrophy R12 Anoctamin-5-Related (LGMD-R12). Identifiers: Orphanet 206549, MedGen C1969785, MONDO:0012652, OMIM 611307.

gnomAD v4.1: 1 of 1,612,528 alleles (0.000062%); highest among the groups gnomAD compares: Non-Finnish European, 0.000085%; no homozygotes.

Submission:

Labcorp Genetics (formerly Invitae), Labcorp
Classification: Uncertain significance for Autosomal recessive limb-girdle muscular dystrophy type 2L; Gnathodiaphyseal dysplasia. Last evaluated: 2025-08-18. Review status: criteria provided, single submitter. Criteria: Invitae Variant Classification Sherloc (09022015). Collection method: clinical testing. Allele origin: germline.
Comment: This sequence change replaces threonine, which is neutral and polar, with alanine, which is neutral and non-polar, at codon 383 of the ANO5 protein (p.Thr383Ala). This variant is not present in population databases (gnomAD no frequency). This variant has not been reported in the literature in individuals affected with ANO5-related conditions. Invitae Evidence Modeling of protein sequence and biophysical properties (such as structural, functional, and spatial information, amino acid conservation, physicochemical variation, residue mobility, and thermodynamic stability) has been performed for this missense variant. However, the output from this modeling did not meet the statistical confidence thresholds required to predict the impact of this variant on ANO5 protein function. In summary, the available evidence is currently insufficient to determine the role of this variant in disease. Therefore, it has been classified as a Variant of Uncertain Significance.